The following is an entry in ClinVar:

ClinVar aggregate classification (germline): Uncertain significance. Review status: criteria provided, multiple submitters, no conflicts (2 of 4 stars). 2 submissions from 2 submitters: Uncertain significance (2). Last evaluated 2024-09-20.

Conditions:
WFS1-related disorder. Identifiers: MedGen CN379391, MONDO:0700293.

gnomAD v4.1: 2 of 1,613,996 alleles (0.00012%); highest among the groups gnomAD compares: Non-Finnish European, 0.00017%; no homozygotes.

Submissions (2):

GeneDx
Classification: Uncertain significance. Last evaluated: 2024-09-20. Review status: criteria provided, single submitter. Criteria: GeneDx Variant Classification Process June 2021. Collection method: clinical testing. Allele origin: germline. Affected: yes.
Comment: Not observed at significant frequency in large population cohorts (gnomAD); In silico analysis indicates that this missense variant does not alter protein structure/function; Has not been previously published as pathogenic or benign to our knowledge

PreventionGenetics, part of Exact Sciences
Classification: Uncertain significance for WFS1-related condition. Last evaluated: 2023-03-29. Review status: criteria provided, single submitter. Criteria: ACMG Guidelines, 2015. Collection method: clinical testing. Allele origin: germline.
Comment: The WFS1 c.1063A>G variant is predicted to result in the amino acid substitution p.Ile355Val. To our knowledge, this variant has not been reported in the literature or in a large population database, indicating this variant is rare. At this time, the clinical significance of this variant is uncertain due to the absence of conclusive functional and genetic evidence.

NM_006005.3(WFS1):c.1063A>G (p.Ile355Val)

Gene: WFS1 (wolframin ER transmembrane glycoprotein; plus strand). Cytogenetic location: 4p16.1.
Variant type: single nucleotide variant.
Coding change: c.1063A>G on transcript NM_006005.3 (MANE Select); coding-DNA position 1063, A replaced by G.
Protein change: p.Ile355Val; replaces isoleucine 355 with valine.
Molecular consequence: missense variant.
Genome position (GRCh38, 1-based): chr4:6,300,858, A>G. VCF-style: chr4-6300858-A-G. GRCh37 (hg19) VCF-style: chr4-6302585-A-G.
Other names: c.1063A>G, p.Ile355Val (NM_001145853.1); short protein forms I355V.
Identifiers: ClinVar variation 2442587 (VCV002442587.3), dbSNP rs1730861293, ClinGen allele CA356174175.